The following is an entry in ClinVar:

NM_000494.4(COL17A1):c.2648-1_2648insAGAGAGCAAACCCCAC

Gene: COL17A1 (collagen type XVII alpha 1 chain; minus strand). Cytogenetic location: 10q25.1.
Variant type: Insertion.
Coding change: c.2648-1_2648insAGAGAGCAAACCCCAC on transcript NM_000494.4 (MANE Select); the canonical splice acceptor site of the intron before coding-DNA position 2648 through coding-DNA position 2648, AGAGAGCAAACCCCAC inserted.
Molecular consequence: splice acceptor variant.
Genome position: GRCh38 VCF-style: chr10-104041118-C-CCTGTGGGGTTTGCTCT. GRCh37 (hg19) VCF-style: chr10-105800876-C-CCTGTGGGGTTTGCTCT.
Other names: c.2648-1_2648insAGAGCAAACCCCACAG (NM_000494.4).
Identifiers: ClinVar variation 3234877 (VCV003234877.1), dbSNP rs2493300850, ClinGen allele CA2610797424.
Genomic context (GRCh38, chr10:104,041,118, plus strand): 5'-ACATTACCTGAGTTGGACAGGAACGATCCTGGTGGGCCTGGTGGGCCTGGCAAACCCTCC[C>CCTGTGGGGTTTGCTCT]CTAGGAAAGAGAACCCCCAAGACTTATTAGTGCCAAGAGGGGAGCCAGGAACCCTCTGCT-3'

ClinVar aggregate classification (germline): Likely pathogenic (1 of 4 stars; one submission).

Conditions:
Epidermolysis bullosa, junctional 4, intermediate. Also called: EPIDERMOLYSIS BULLOSA, JUNCTIONAL 4, NON-HERLITZ TYPE; EPIDERMOLYSIS BULLOSA, GENERALIZED ATROPHIC BENIGN; Epidermolysis bullosa, junctional, localisata variant. Identifiers: MedGen C2608084, MONDO:0030750, OMIM 619787.

Submission:

Neuberg Centre For Genomic Medicine, NCGM
Classification: Likely pathogenic for Epidermolysis bullosa, junctional 4, intermediate. Review status: criteria provided, single submitter. Criteria: ACMG Guidelines, 2015. Collection method: clinical testing. Allele origin: germline. Inheritance: Autosomal recessive inheritance. Affected: yes.
Comment: The frame shift c.2648-1_2648insAGAGCAAACCCCACAGp.Gly883GlufsTer87 variant in COL17A1 gene has not been reported previously as a pathogenic variant nor as a benign variant, to our knowledge. The p.Gly883GlufsTer87 variant is novel not in any individuals in gnomAD Exomes and 1000 Genomes. This variant has not been reported to the ClinVar database. This variant causes a frameshift starting with codon Glycine 883, changes this amino acid to Glutamic Acid residue, and creates a premature Stop codon at position 87 of the new reading frame, denoted p.Gly883GlufsTer87. This variant is predicted to cause loss of normal protein function through protein truncation. Loss of function variants have been previously reported to be disease causing. For these reasons, this variant has been classified as Likely Pathogenic.